The following is an entry in ClinVar:

NM_001244008.2(KIF1A):c.3064-3C>A

Gene: KIF1A (kinesin family member 1A; minus strand). Cytogenetic location: 2q37.3.
Variant type: single nucleotide variant.
Coding change: c.3064-3C>A on transcript NM_001244008.2 (MANE Select); 3 bases into the intron before coding-DNA position 3064, C replaced by A.
Molecular consequence: intron variant.
Genome position (GRCh38, 1-based): chr2:240,746,180, G>T on the plus strand (C>A on the coding strand, the complement: KIF1A is on the minus strand). VCF-style: chr2-240746180-G-T. GRCh37 (hg19) VCF-style: chr2-241685597-G-T.
Other names: c.2761-3C>A (NM_001379653.1, NM_001379650.1, NM_001379640.1 and 6 more transcripts); c.3037-3C>A (NM_001379645.1, NM_001379633.1, NM_001379642.1); c.2863-3C>A (NM_001379635.1, NM_001330290.2, NM_001379646.1 and 1 more transcripts); c.3013-3C>A (NM_001379632.1); c.2836-3C>A (NM_001379637.1, NM_001379648.1); c.2788-3C>A (NM_001320705.2, NM_001379638.1, NM_001330289.2); c.3139-3C>A (NM_001379631.1).
Identifiers: ClinVar variation 4790185 (VCV004790185.1).
Genomic context (GRCh38, chr2:240,746,180, plus strand): 5'-CTTCCTGGGAGGTTCCCGAGCGGGACATCCCCACCACGGGGCAAGACTCGGACTGGAACT[G>T]ATCAGAGGGGGACCAGAGTCAGAGAGAGCCAGGAGCCAGCCGAGGAGGGGCACCGTAGAC-3'

ClinVar aggregate classification (germline): Uncertain significance (1 of 4 stars; one submission).

Conditions:
Neuropathy, hereditary sensory, type 2C. Also called: KIF1A-Related HSAN2 (HSAN2C); Hereditary sensory and autonomic neuropathy type IIC. Identifiers: Orphanet 970, MedGen C3280168, MONDO:0013634, OMIM 614213.
Hereditary spastic paraplegia 30. Identifiers: Orphanet 101010, MedGen C5235139, MONDO:0012476.
Intellectual disability, autosomal dominant 9 (NESCAVS). Also called: KIF1A-Related Neurodevelopmental Disorder; NESCAV SYNDROME. Identifiers: Orphanet 662367, MedGen C5393830, MONDO:0013656, OMIM 614255.

gnomAD v4.1: 1 of 1,559,224 alleles (0.000064%); no homozygotes.

Submission:

Labcorp Genetics (formerly Invitae), Labcorp
Classification: Uncertain significance for Hereditary spastic paraplegia 30; Neuropathy, hereditary sensory, type 2C; Intellectual disability, autosomal dominant 9. Last evaluated: 2025-04-06. Review status: criteria provided, single submitter. Criteria: Invitae Variant Classification Sherloc (09022015). Collection method: clinical testing. Allele origin: germline.
Comment: This sequence change falls in intron 26 of the KIF1A gene. It does not directly change the encoded amino acid sequence of the KIF1A protein. It affects a nucleotide within the consensus splice site. This variant is not present in population databases (gnomAD no frequency). This variant has not been reported in the literature in individuals affected with KIF1A-related conditions. Variants that disrupt the consensus splice site are a relatively common cause of aberrant splicing (PMID: 17576681, 9536098). Algorithms developed to predict the effect of sequence changes on RNA splicing suggest that this variant is not likely to affect RNA splicing. In summary, the available evidence is currently insufficient to determine the role of this variant in disease. Therefore, it has been classified as a Variant of Uncertain Significance.

Literature cited by the submitters: PubMed 17576681; PubMed 9536098.